The following is an entry in ClinVar:

NM_001099922.3(ALG13):c.3085G>A (p.Val1029Ile)

Gene: ALG13 (ALG13 UDP-N-acetylglucosaminyltransferase subunit; plus strand). Cytogenetic location: Xq23.
Variant type: single nucleotide variant.
Coding change: c.3085G>A on transcript NM_001099922.3 (MANE Select); coding-DNA position 3085, G replaced by A.
Protein change: p.Val1029Ile; replaces valine 1029 with isoleucine.
Molecular consequence: missense variant. On other transcripts: non-coding transcript variant (1).
Genome position (GRCh38, 1-based): chrX:111,757,699, G>A. VCF-style: chrX-111757699-G-A. GRCh37 (hg19) VCF-style: chrX-111000927-G-A.
Other names: c.2536G>A, p.Val846Ile (NM_001257230.2, NM_001257234.2, NM_001257237.2); c.2851G>A, p.Val951Ile (NM_001257231.2); c.2848G>A, p.Val950Ile (NM_001324292.2); c.2362G>A, p.Val788Ile (NM_001324293.1); short protein forms V846I, V950I, V951I, V788I, V1029I.
Identifiers: ClinVar variation 1433657 (VCV001433657.8), dbSNP rs368393741, ClinGen allele CA10494041.

ClinVar aggregate classification (germline): Uncertain significance (1 of 4 stars; one submission).

Conditions:
Developmental and epileptic encephalopathy, 36 (DEE36). Also called: ALG13-CDG; Congenital disorder of glycosylation, type Is; Epileptic encephalopathy, early infantile, 36. Identifiers: Orphanet 324422, MedGen C4317295, MONDO:0010472, OMIM 300884.

Allele frequency attached by ClinVar (database versions not stated): gnomAD exomes 0.00001 and 0.00002; TOPMed 0.00001; ExAC 0.00002; gnomAD 0.00004; ESP Exome Variant Server 0.00012.
gnomAD v4.1: 11 of 1,207,612 alleles (0.00091%); highest among the groups gnomAD compares: African/African-American, 0.007%; no homozygotes.

Submission:

Labcorp Genetics (formerly Invitae), Labcorp
Classification: Uncertain significance for Developmental and epileptic encephalopathy, 36. Last evaluated: 2026-01-24. Review status: criteria provided, single submitter. Criteria: Invitae Variant Classification Sherloc (09022015). Collection method: clinical testing. Allele origin: germline.
Comment: This sequence change replaces valine, which is neutral and non-polar, with isoleucine, which is neutral and non-polar, at codon 1029 of the ALG13 protein (p.Val1029Ile). This variant is present in population databases (rs368393741, gnomAD 0.005%). This variant has not been reported in the literature in individuals affected with ALG13-related conditions. ClinVar contains an entry for this variant (Variation ID: 1433657). Invitae Evidence Modeling of protein sequence and biophysical properties (such as structural, functional, and spatial information, amino acid conservation, physicochemical variation, residue mobility, and thermodynamic stability) indicates that this missense variant is not expected to disrupt ALG13 protein function with a negative predictive value of 95%. In summary, the available evidence is currently insufficient to determine the role of this variant in disease. Therefore, it has been classified as a Variant of Uncertain Significance.